The following is an entry in ClinVar:

NM_024577.4(SH3TC2):c.2286C>T (p.Ile762=)

Gene: SH3TC2 (SH3 domain and tetratricopeptide repeats 2; minus strand). Cytogenetic location: 5q32.
Variant type: single nucleotide variant.
Coding change: c.2286C>T on transcript NM_024577.4 (MANE Select); coding-DNA position 2286, C replaced by T.
Protein change: p.Ile762=; no amino-acid change (isoleucine 762 retained).
Molecular consequence: synonymous variant.
Genome position (GRCh38, 1-based): chr5:149,027,446, G>A on the plus strand (C>T on the coding strand, the complement: SH3TC2 is on the minus strand). VCF-style: chr5-149027446-G-A. GRCh37 (hg19) VCF-style: chr5-148407009-G-A.
Identifiers: ClinVar variation 703270 (VCV000703270.11), dbSNP rs766340169, ClinGen allele CA3499031.

ClinVar aggregate classification (germline): Likely benign. Review status: criteria provided, multiple submitters, no conflicts (2 of 4 stars). 2 submissions from 2 submitters: Likely benign (2). Last evaluated 2026-02-25.

Conditions:
Charcot-Marie-Tooth disease type 4. Also called: Charcot-Marie-Tooth disease, type IV; Charcot-Marie-Tooth, Type 4. Identifiers: Orphanet 64749, MedGen C4082197, MONDO:0018995.
SH3TC2-related disorder. Also called: SH3TC2-related condition; SH3TC2-related disorders. Identifiers: MedGen CN239303.

Allele frequency attached by ClinVar (database versions not stated): gnomAD exomes 0.00006; gnomAD 0.00009 and 0.00011; TOPMed 0.00013; ExAC 0.00003.
gnomAD v4.1: 30 of 1,614,064 alleles (0.0019%); highest among the groups gnomAD compares: Admixed American, 0.032%; no homozygotes.

Submissions (2):

PreventionGenetics, part of Exact Sciences
Classification: Likely benign for SH3TC2-related condition. Last evaluated: 2026-02-25. Review status: criteria provided, single submitter. Criteria: ACMG Guidelines, 2015. Collection method: clinical testing. Allele origin: germline.
Comment: This variant is classified as likely benign based on ACMG/AMP sequence variant interpretation guidelines (Richards et al. 2015 PMID: 25741868, with internal and published modifications).

Labcorp Genetics (formerly Invitae), Labcorp
Classification: Likely benign for Charcot-Marie-Tooth disease type 4. Last evaluated: 2025-11-21. Review status: criteria provided, single submitter. Criteria: Invitae Variant Classification Sherloc (09022015). Collection method: clinical testing. Allele origin: germline.